The following is an entry in ClinVar:

NM_004564.3(GATB):c.137C>T (p.Ala46Val)

Genes: GATB (glutamyl-tRNA amidotransferase subunit B; minus strand), LOC129993225 (ATAC-STARR-seq lymphoblastoid active region 22022; plus strand). Cytogenetic location: 4q31.3.
Variant type: single nucleotide variant.
Coding change: c.137C>T on transcript NM_004564.3 (MANE Select); coding-DNA position 137, C replaced by T.
Protein change: p.Ala46Val; replaces alanine 46 with valine.
Molecular consequence: missense variant.
Genome position (GRCh38, 1-based): chr4:151,760,846, G>A on the plus strand (C>T on the coding strand, the complement: GATB is on the minus strand). VCF-style: chr4-151760846-G-A. GRCh37 (hg19) VCF-style: chr4-152681998-G-A.
Other names: c.137C>T, p.Ala46Val (NM_001363341.2); short protein forms A46V.
Identifiers: ClinVar variation 3056747 (VCV003056747.2), dbSNP rs6856967, ClinGen allele CA3106006.
Genomic context (GRCh38, chr4:151,760,846, plus strand): 5'-GAAATGTATGAAACAGAATACCCTTTCCTCGTCTTCTGGGCCGTGTGGAGGGGCTGCTGA[G>A]CCACTGAGCTCTCTCCCCTAATCTGGTTGGATGTGGACCCAGTCGGAGCCCCTCTTCGGT-3'
Protein context (NP_004555.1, residues 36-56): SNQIRGESSV[Ala46Val]QQPLHTAQKT

ClinVar aggregate classification (germline): Benign (0 of 4 stars; one submission).

Conditions:
GATB-related disorder. Also called: GATB-related condition.

Allele frequency attached by ClinVar (database versions not stated): gnomAD exomes 0.00058; ExAC 0.00205; gnomAD 0.00601; TOPMed 0.00672; ESP Exome Variant Server 0.00692; 1000 Genomes Project 0.00719; 1000 Genomes Project 30x 0.00859.
gnomAD v4.1: 1,786 of 1,612,168 alleles (0.11%); highest among the groups gnomAD compares: African/African-American, 2.1%; 15 homozygotes.

Submission:

PreventionGenetics, part of Exact Sciences
Classification: Benign for GATB-related condition. Last evaluated: 2019-11-13. Review status: no assertion criteria provided. Collection method: clinical testing. Allele origin: germline.
Comment: This variant is classified as benign based on ACMG/AMP sequence variant interpretation guidelines (Richards et al. 2015 PMID: 25741868, with internal and published modifications).